The following is an entry in ClinVar:

ClinVar aggregate classification (germline): Pathogenic (1 of 4 stars; one submission).

Conditions:
Congenital hyperammonemia, type I. Also called: CPS I DEFICIENCY; Carbamoyl phosphate synthetase 1 deficiency; Hyperammonemia due to carbamoyl phosphate synthetase 1 deficiency; CPS 1 deficiency; Carbamyl phosphate synthetase (CPS) deficiency; Carbamoyl phosphate synthetase I deficiency disease. Identifiers: Orphanet 147, MedGen C4082171, MONDO:0009376, OMIM 237300.

Submission:

Myriad Genetics, Inc.
Classification: Pathogenic for Congenital hyperammonemia, type I. Last evaluated: 2026-05-17. Review status: criteria provided, single submitter. Criteria: Myriad Autosomal Dominant, Autosomal Recessive and X-Linked Classification Criteria (2023). Collection method: clinical testing. Allele origin: unknown.
Comment: NM_001875.4(CPS1):c.1397_1404del8(I466Sfs*5) is expected to be pathogenic in the context of carbamoylphosphate synthetase I deficiency. This variant is predicted to lead to an abnormal or absent protein product due to the creation of a premature termination codon in CPS1, a gene where loss-of-function variants are known to be pathogenic. Please note: this variant was assessed in the context of healthy population screening.

NM_001875.5(CPS1):c.1397_1404del (p.Ile466fs)

Gene: CPS1 (carbamoyl-phosphate synthase 1; plus strand). Cytogenetic location: 2q34.
Variant type: Deletion.
Coding change: c.1397_1404del on transcript NM_001875.5 (MANE Select); coding-DNA positions 1397 to 1404, 8 bases deleted (TTGCATCA; older notation c.1397_1404delTTGCATCA).
Protein change: p.Ile466fs; shifts the reading frame from isoleucine 466.
Molecular consequence: frameshift variant. On other transcripts: non-coding transcript variant (2).
Genome position (GRCh38, 1-based): chr2:210,599,409-210,599,416, TTGCATCA deleted; deleting any 8 consecutive bases within chr2:210,599,407-210,599,416 gives the same sequence; the c. name uses the placement nearest the transcript's 3' end. VCF-style (leftmost placement, unchanged base first): chr2-210599406-ACATTGCAT-A. GRCh37 (hg19) VCF-style: chr2-211464130-ACATTGCAT-A.
Other names: c.1397_1404del, p.Ile466fs (NM_001122633.3, NM_001369257.1); c.1430_1437del, p.Ile477fs (NM_001369256.1); short protein forms I466fs, I477fs.
Identifiers: ClinVar variation 5015923 (VCV005015923.1).